The following is an entry in ClinVar:

NM_000071.3(CBS):c.612G>T (p.Val204=)

Gene: CBS (cystathionine beta-synthase; minus strand). Cytogenetic location: 21q22.3.
Variant type: single nucleotide variant.
Coding change: c.612G>T on transcript NM_000071.3 (MANE Select); coding-DNA position 612, G replaced by T.
Protein change: p.Val204=; no amino-acid change (valine 204 retained).
Molecular consequence: synonymous variant.
Genome position (GRCh38, 1-based): chr21:43,065,441, C>A on the plus strand (G>T on the coding strand, the complement: CBS is on the minus strand). VCF-style: chr21-43065441-C-A. GRCh37 (hg19) VCF-style: chr21-44485551-C-A.
Other names: c.612G>T, p.Val204= (NM_001178008.3, NM_001178009.3, NM_001320298.2); c.297G>T, p.Val99= (NM_001321072.1).
Identifiers: ClinVar variation 340086 (VCV000340086.23), dbSNP rs539670390, ClinGen allele CA10644735.

ClinVar aggregate classification (germline): Conflicting classifications of pathogenicity. Review status: criteria provided, conflicting classifications (1 of 4 stars). 7 submissions from 7 submitters: Uncertain significance (1); Benign (1); Likely benign (3). 2 of the submissions do not count toward it. Last evaluated 2026-01-26.

Conditions:
CBS-related disorder. Also called: CBS-related condition.
HYPERHOMOCYSTEINEMIA, THROMBOTIC, CBS-RELATED. Identifiers: MedGen C3150344, OMIM 236200.
Familial thoracic aortic aneurysm and aortic dissection (TAAD). Also called: Thoracic aortic aneurysms and dissections. Identifiers: Orphanet 91387, MedGen C4707243, MONDO:0019625.
Classic homocystinuria. Also called: Homocystinuria due to Cystathionine Beta-Synthase Deficiency; Homocystinuria due to CBS deficiency; Cystathionine beta-synthase deficiency; CBS deficiency; HOMOCYSTINURIA WITH OR WITHOUT RESPONSE TO PYRIDOXINE. Identifiers: Orphanet 394, MedGen C0751202, MONDO:0009352, OMIM 236200.

Allele frequency attached by ClinVar (database versions not stated): TOPMed 0.00004; 1000 Genomes Project 0.00040.

Submissions (7):

Labcorp Genetics (formerly Invitae), Labcorp
Classification: Likely benign for HYPERHOMOCYSTEINEMIA, THROMBOTIC, CBS-RELATED. Last evaluated: 2026-01-26. Review status: criteria provided, single submitter. Criteria: Invitae Variant Classification Sherloc (09022015). Collection method: clinical testing. Allele origin: germline.

Blueprint Genetics
Classification: Likely benign. Last evaluated: 2024-05-08. Review status: criteria provided, single submitter. Criteria: ACMG Guidelines, 2015. Collection method: clinical testing. Allele origin: germline.

Ambry Genetics
Classification: Likely benign for Familial thoracic aortic aneurysm and aortic dissection. Last evaluated: 2024-01-01. Review status: criteria provided, single submitter. Criteria: Ambry Variant Classification Scheme 2023. Collection method: clinical testing. Allele origin: germline.

Illumina Laboratory Services, Illumina
Classification: Uncertain significance for Classic homocystinuria. Last evaluated: 2018-01-12. Review status: criteria provided, single submitter. Criteria: ICSL Variant Classification Criteria 13 December 2019. Collection method: clinical testing. Allele origin: germline.

GeneDx
Classification: Benign. Last evaluated: 2015-09-08. Review status: criteria provided, single submitter. Criteria: GeneDx Variant Classification (06012015). Collection method: clinical testing. Allele origin: germline. Affected: yes.
Comment: This variant is considered likely benign or benign based on one or more of the following criteria: it is a conservative change, it occurs at a poorly conserved position in the protein, it is predicted to be benign by multiple in silico algorithms, and/or has population frequency not consistent with disease.

PreventionGenetics, part of Exact Sciences
Classification: Likely benign for CBS-related condition. Last evaluated: 2022-01-31. Review status: no assertion criteria provided. Collection method: clinical testing. Allele origin: germline. Not counted in ClinVar's aggregate classification.
Comment: This variant is classified as likely benign based on ACMG/AMP sequence variant interpretation guidelines (Richards et al. 2015 PMID: 25741868, with internal and published modifications).

Natera, Inc.
Classification: Likely benign for Homocystinuria due to cystathionine beta-synthase deficiency. Last evaluated: 2020-03-11. Review status: no assertion criteria provided. Collection method: clinical testing. Allele origin: germline. Not counted in ClinVar's aggregate classification.